The following is an entry in ClinVar:

ClinVar aggregate classification (germline): Uncertain significance. Review status: criteria provided, single submitter (1 of 4 stars). 2 submissions from 2 submitters: Uncertain significance (1). 1 of the submissions does not count toward it. Last evaluated 2021-09-01.

Conditions:
Deficiency of acetyl-CoA acetyltransferase. Also called: Beta-ketothiolase deficiency; 3-KETOTHIOLASE DEFICIENCY; 3-OXOTHIOLASE DEFICIENCY; MITOCHONDRIAL ACETOACETYL-CoA THIOLASE DEFICIENCY. Identifiers: Orphanet 134, MedGen C1536500, MONDO:0008760, OMIM 203750. Disease mechanism: loss of function.

Allele frequency attached by ClinVar (database versions not stated): gnomAD 0.00001; gnomAD exomes 0.00001; TOPMed 0.00002.
gnomAD v4.1: 20 of 1,550,728 alleles (0.0013%); highest among the groups gnomAD compares: Middle Eastern, 0.017%; no homozygotes.

Submissions (2):

Labcorp Genetics (formerly Invitae), Labcorp
Classification: Uncertain significance for Deficiency of acetyl-CoA acetyltransferase. Last evaluated: 2021-09-01. Review status: criteria provided, single submitter. Criteria: Invitae Variant Classification Sherloc (09022015). Collection method: clinical testing. Allele origin: germline.
Comment: This sequence change replaces alanine with valine at codon 2 of the ACAT1 protein (p.Ala2Val). The alanine residue is moderately conserved and there is a small physicochemical difference between alanine and valine. This variant is not present in population databases (ExAC no frequency). This variant has not been reported in the literature in individuals affected with ACAT1-related conditions. Algorithms developed to predict the effect of missense changes on protein structure and function (SIFT, PolyPhen-2, Align-GVGD) all suggest that this variant is likely to be tolerated. In summary, the available evidence is currently insufficient to determine the role of this variant in disease. Therefore, it has been classified as a Variant of Uncertain Significance.

Natera, Inc.
Classification: Uncertain significance for Alpha-methylacetoacetic aciduria. Last evaluated: 2020-07-16. Review status: no assertion criteria provided. Collection method: clinical testing. Allele origin: germline. Not counted in ClinVar's aggregate classification.

NM_000019.4(ACAT1):c.5C>T (p.Ala2Val)

Gene: ACAT1 (acetyl-CoA acetyltransferase 1; plus strand). Cytogenetic location: 11q22.3.
Variant type: single nucleotide variant.
Coding change: c.5C>T on transcript NM_000019.4 (MANE Select); coding-DNA position 5, C replaced by T.
Protein change: p.Ala2Val; replaces alanine 2 with valine.
Molecular consequence: missense variant. On other transcripts: 5 prime UTR variant (3), non-coding transcript variant (2), intron variant (2).
Genome position (GRCh38, 1-based): chr11:108,121,611, C>T. VCF-style: chr11-108121611-C-T. GRCh37 (hg19) VCF-style: chr11-107992338-C-T.
Other names: c.5C>T, p.Ala2Val (NM_001386677.1, NM_001386678.1); c.-273C>T (NM_001386679.1); c.-360C>T (NM_001386685.1); c.-365C>T (NM_001386686.1); c.-416+4709C>T (NM_001386682.1); c.-199+4709C>T (NM_001386681.1); short protein forms A2V.
Identifiers: ClinVar variation 1034848 (VCV001034848.6), dbSNP rs915506786, ClinGen allele CA228390187.